The following is an entry in ClinVar:

NM_001206927.2(DNAH8):c.7624C>G (p.Leu2542Val)

Gene: DNAH8 (dynein axonemal heavy chain 8; plus strand). Cytogenetic location: 6p21.2.
Variant type: single nucleotide variant.
Coding change: c.7624C>G on transcript NM_001206927.2 (MANE Select); coding-DNA position 7624, C replaced by G.
Protein change: p.Leu2542Val; replaces leucine 2542 with valine.
Molecular consequence: missense variant.
Genome position (GRCh38, 1-based): chr6:38,875,594, C>G. VCF-style: chr6-38875594-C-G. GRCh37 (hg19) VCF-style: chr6-38843370-C-G.
Other names: c.6973C>G, p.Leu2325Val (NM_001371.4); short protein forms L2325V, L2542V.
Identifiers: ClinVar variation 2780068 (VCV002780068.3), dbSNP rs771169521, ClinGen allele CA364028957.

ClinVar aggregate classification (germline): Uncertain significance (1 of 4 stars; one submission).

Conditions:
Primary ciliary dyskinesia. Also called: Ciliary dyskinesia. Identifiers: Orphanet 244, MedGen C0008780, MONDO:0016575, HP:0012265.

Allele frequency attached by ClinVar (database versions not stated): gnomAD 0.00001.
gnomAD v4.1: 8 of 1,539,392 alleles (0.00052%); highest among the groups gnomAD compares: Non-Finnish European, 0.00062%; no homozygotes.

Submission:

Labcorp Genetics (formerly Invitae), Labcorp
Classification: Uncertain significance for Primary ciliary dyskinesia. Last evaluated: 2023-08-17. Review status: criteria provided, single submitter. Criteria: Invitae Variant Classification Sherloc (09022015). Collection method: clinical testing. Allele origin: germline.
Comment: Advanced modeling of protein sequence and biophysical properties (such as structural, functional, and spatial information, amino acid conservation, physicochemical variation, residue mobility, and thermodynamic stability) performed at Invitae indicates that this missense variant is expected to disrupt DNAH8 protein function. In summary, the available evidence is currently insufficient to determine the role of this variant in disease. Therefore, it has been classified as a Variant of Uncertain Significance. This sequence change replaces leucine, which is neutral and non-polar, with valine, which is neutral and non-polar, at codon 2542 of the DNAH8 protein (p.Leu2542Val). This variant is present in population databases (no rsID available, gnomAD 0.007%). This variant has not been reported in the literature in individuals affected with DNAH8-related conditions.